The following is an entry in ClinVar:

NM_000548.5(TSC2):c.4826G>A (p.Cys1609Tyr)

Gene: TSC2 (TSC complex subunit 2; plus strand). Cytogenetic location: 16p13.3.
Variant type: single nucleotide variant.
Coding change: c.4826G>A on transcript NM_000548.5 (MANE Select); coding-DNA position 4826, G replaced by A.
Protein change: p.Cys1609Tyr; replaces cysteine 1609 with tyrosine.
Molecular consequence: missense variant.
Genome position (GRCh38, 1-based): chr16:2,086,356, G>A. VCF-style: chr16-2086356-G-A. GRCh37 (hg19) VCF-style: chr16-2136357-G-A.
Other names: c.4625G>A, p.Cys1542Tyr (NM_001077183.3); c.4757G>A, p.Cys1586Tyr (NM_001114382.3); c.4517G>A, p.Cys1506Tyr (NM_001318827.2); c.4481G>A, p.Cys1494Tyr (NM_001318829.2); c.4094G>A, p.Cys1365Tyr (NM_001318831.2); c.4658G>A, p.Cys1553Tyr (NM_001318832.2); c.4628G>A, p.Cys1543Tyr (NM_001363528.2); c.4694G>A, p.Cys1565Tyr (NM_001370404.1); and 26 more; short protein forms C1008Y, C1095Y, C1342Y, C1493Y, C1523Y, C1585Y, C1586Y, C1118Y.
Identifiers: ClinVar variation 1743387 (VCV001743387.2), dbSNP rs1233744012, ClinGen allele CA394308106.
Genomic context (GRCh38, chr16:2,086,356, plus strand): 5'-CGGACAAGGTGTACCTGGGAGGCCTGGACGTGTGTGGTGAGGACGGCCAGTTCACCTACT[G>A]CTGGCACGATGACATCATGCAAGGTACGGCCTGGCGCCTACCCGCTCCTGCTGCCCCAGG-3'
Protein context (NP_000539.2, residues 1599-1619): VCGEDGQFTY[Cys1609Tyr]WHDDIMQAVF

ClinVar aggregate classification (germline): Uncertain significance (1 of 4 stars; one submission).

Conditions:
Hereditary cancer-predisposing syndrome. Also called: Hereditary Cancer Syndrome; Neoplastic Syndromes, Hereditary; Tumor predisposition; Hereditary neoplastic syndrome. Identifiers: Orphanet 140162, MedGen C0027672, MeSH D009386, MONDO:0015356.

Submission:

Ambry Genetics
Classification: Uncertain significance for Hereditary cancer-predisposing syndrome. Last evaluated: 2022-02-12. Review status: criteria provided, single submitter. Criteria: Ambry Variant Classification Scheme 2023. Collection method: clinical testing. Allele origin: germline.
Comment: The p.C1609Y variant (also known as c.4826G>A), located in coding exon 36 of the TSC2 gene, results from a G to A substitution at nucleotide position 4826. The cysteine at codon 1609 is replaced by tyrosine, an amino acid with highly dissimilar properties. This amino acid position is conserved. In addition, this alteration is predicted to be deleterious by in silico analysis. Since supporting evidence is limited at this time, the clinical significance of this alteration remains unclear.